The following is an entry in ClinVar:

ClinVar aggregate classification (germline): Likely benign (1 of 4 stars; one submission).

Submission:

CeGaT Center for Human Genetics Tuebingen
Classification: Likely benign. Last evaluated: 2025-11-01. Review status: criteria provided, single submitter. Criteria: CeGaT Center For Human Genetics Tuebingen Variant Classification Criteria Version 2. Collection method: clinical testing. Allele origin: germline. Affected: yes. Observed: 5 variant alleles.
Comment: YIPF3: PM4:Supporting, BS2

NM_015388.4(YIPF3):c.194_196del (p.Asp65del)

Gene: YIPF3 (Yip1 domain family member 3; minus strand). Cytogenetic location: 6p21.1.
Variant type: Deletion.
Coding change: c.194_196del on transcript NM_015388.4 (MANE Select); coding-DNA positions 194 to 196, 3 bases deleted (ATG; older notation c.194_196delATG).
Protein change: p.Asp65del; deletes aspartic acid 65.
Molecular consequence: inframe deletion.
Genome position (GRCh38, 1-based): chr6:43,515,981-43,515,983, CAT deleted on the plus strand (ATG on the coding strand, the reverse complement: YIPF3 is on the minus strand); deleting any 3 consecutive bases within chr6:43,515,981-43,515,985 gives the same sequence; the c. name uses the placement nearest the transcript's 3' end. VCF-style (leftmost placement, unchanged base first): chr6-43515980-GCAT-G. GRCh37 (hg19) VCF-style: chr6-43483718-GCAT-G.
Other names: short protein forms D65del.
Identifiers: ClinVar variation 3388171 (VCV003388171.14).